The following is an entry in ClinVar:

ClinVar aggregate classification (germline): Uncertain significance (1 of 4 stars; one submission).

Submission:

GeneDx
Classification: Uncertain significance. Last evaluated: 2019-02-13. Review status: criteria provided, single submitter. Criteria: GeneDx Variant Classification Process June 2021. Collection method: clinical testing. Allele origin: germline. Affected: yes.
Comment: Not observed in large population cohorts (Lek et al., 2016); The majority of missense variants in this gene are considered pathogenic (Stenson et al., 2014); In silico analysis, which includes protein predictors and evolutionary conservation, supports that this variant does not alter protein structure/function

NM_001184880.2(PCDH19):c.1501C>T (p.Pro501Ser)

Gene: PCDH19 (protocadherin 19; minus strand). Cytogenetic location: Xq22.1.
Variant type: single nucleotide variant.
Coding change: c.1501C>T on transcript NM_001184880.2 (MANE Select); coding-DNA position 1501, C replaced by T.
Protein change: p.Pro501Ser; replaces proline 501 with serine.
Molecular consequence: missense variant.
Genome position (GRCh38, 1-based): chrX:100,407,097, G>A on the plus strand (C>T on the coding strand, the complement: PCDH19 is on the minus strand). VCF-style: chrX-100407097-G-A. GRCh37 (hg19) VCF-style: chrX-99662095-G-A.
Other names: c.1501C>T, p.Pro501Ser (NM_001105243.2, NM_020766.3); short protein forms P501S.
Identifiers: ClinVar variation 1218975 (VCV001218975.3), dbSNP rs2147538596, ClinGen allele CA414002590.